The following is an entry in ClinVar:

ClinVar aggregate classification (germline): Uncertain significance. Review status: criteria provided, multiple submitters, no conflicts (2 of 4 stars). 3 submissions from 3 submitters: Uncertain significance (3). Last evaluated 2023-10-11.

Conditions:
PLXNA2-related disorder. Also called: PLXNA2-related condition.

Allele frequency attached by ClinVar (database versions not stated): gnomAD exomes 0.00003; TOPMed 0.00003; ExAC 0.00004; gnomAD 0.00007 and 0.00009; ESP Exome Variant Server 0.00008.
gnomAD v4.1: 38 of 1,607,272 alleles (0.0024%); highest among the groups gnomAD compares: African/African-American, 0.013%; no homozygotes.

Submissions (3):

PreventionGenetics, part of Exact Sciences
Classification: Uncertain significance for PLXNA2-related condition. Last evaluated: 2023-10-11. Review status: criteria provided, single submitter. Criteria: ACMG Guidelines, 2015. Collection method: clinical testing. Allele origin: germline.
Comment: The PLXNA2 c.2422C>T variant is predicted to result in the amino acid substitution p.Arg808Trp. To our knowledge, this variant has not been reported in the literature. This variant is reported in 0.021% of alleles in individuals of African descent in gnomAD. At this time, the clinical significance of this variant is uncertain due to the absence of conclusive functional and genetic evidence.

Ambry Genetics
Classification: Uncertain significance. Last evaluated: 2021-08-09. Review status: criteria provided, single submitter. Criteria: Ambry Variant Classification Scheme 2023. Collection method: clinical testing. Allele origin: germline.

Labcorp Genetics (formerly Invitae), Labcorp
Classification: Uncertain significance. Last evaluated: 2020-12-05. Review status: criteria provided, single submitter. Criteria: Invitae Variant Classification Sherloc (09022015). Collection method: clinical testing. Allele origin: germline.
Comment: This sequence change replaces arginine with tryptophan at codon 808 of the PLXNA2 protein (p.Arg808Trp). The arginine residue is highly conserved and there is a moderate physicochemical difference between arginine and tryptophan. In summary, the available evidence is currently insufficient to determine the role of this variant in disease. Therefore, it has been classified as a Variant of Uncertain Significance. Algorithms developed to predict the effect of missense changes on protein structure and function are either unavailable or do not agree on the potential impact of this missense change (SIFT: "Deleterious"; PolyPhen-2: "Probably Damaging"; Align-GVGD: "Class C0"). This variant has not been reported in the literature in individuals with PLXNA2-related conditions. This variant is present in population databases (rs373107594, ExAC 0.03%).

NM_025179.4(PLXNA2):c.2422C>T (p.Arg808Trp)

Gene: PLXNA2 (plexin A2; minus strand). Cytogenetic location: 1q32.2.
Variant type: single nucleotide variant.
Coding change: c.2422C>T on transcript NM_025179.4 (MANE Select); coding-DNA position 2422, C replaced by T.
Protein change: p.Arg808Trp; replaces arginine 808 with tryptophan.
Molecular consequence: missense variant.
Genome position (GRCh38, 1-based): chr1:208,079,424, G>A on the plus strand (C>T on the coding strand, the complement: PLXNA2 is on the minus strand). VCF-style: chr1-208079424-G-A. GRCh37 (hg19) VCF-style: chr1-208252769-G-A.
Other names: c.2422C>T (NM_025179.3); short protein forms R808W.
Identifiers: ClinVar variation 1364190 (VCV001364190.9), dbSNP rs373107594, ClinGen allele CA1373518.